The following is an entry in ClinVar:

ClinVar aggregate classification (germline): Uncertain significance (1 of 4 stars; one submission).

gnomAD v4.1: 21 of 1,613,674 alleles (0.0013%); highest among the groups gnomAD compares: Admixed American, 0.013%; no homozygotes.

Submission:

GeneDx
Classification: Uncertain significance. Last evaluated: 2023-06-28. Review status: criteria provided, single submitter. Criteria: GeneDx Variant Classification Process June 2021. Collection method: clinical testing. Allele origin: germline. Affected: yes.
Comment: In silico analysis supports that this missense variant has a deleterious effect on protein structure/function; Has not been previously published as pathogenic or benign to our knowledge

NM_138295.5(PKD1L1):c.2425G>A (p.Asp809Asn)

Gene: PKD1L1 (polycystin 1 like 1, transient receptor potential channel interacting; minus strand). Cytogenetic location: 7p12.3.
Variant type: single nucleotide variant.
Coding change: c.2425G>A on transcript NM_138295.5 (MANE Select); coding-DNA position 2425, G replaced by A.
Protein change: p.Asp809Asn; replaces aspartic acid 809 with asparagine.
Molecular consequence: missense variant.
Genome position (GRCh38, 1-based): chr7:47,893,906, C>T on the plus strand (G>A on the coding strand, the complement: PKD1L1 is on the minus strand). VCF-style: chr7-47893906-C-T. GRCh37 (hg19) VCF-style: chr7-47933503-C-T.
Other names: short protein forms D809N.
Identifiers: ClinVar variation 3360524 (VCV003360524.1).